The following is an entry in ClinVar:

ClinVar aggregate classification (germline): Uncertain significance (1 of 4 stars; one submission).

Conditions:
Skraban-Deardorff syndrome. Also called: WDR26-Related Intellectual Disability; INTELLECTUAL DISABILITY WITH SEIZURES, ABNORMAL GAIT, AND DISTINCTIVE FACIAL FEATURES. Identifiers: Orphanet 513456, MedGen C4539927, MONDO:0054636, OMIM 617616.

Submission:

Laboratorio de Genetica e Diagnostico Molecular, Hospital Israelita Albert Einstein
Classification: Uncertain significance for Skraban-Deardorff syndrome. Last evaluated: 2024-11-14. Review status: criteria provided, single submitter. Criteria: ACMG Guidelines, 2015. Collection method: clinical testing. Allele origin: germline. Affected: yes.
Comment: ACMG classification criteria: PM2 supporting, BP4 supporting

NM_001379403.1(WDR26):c.517A>T (p.Ser173Cys)

Gene: WDR26 (WD repeat domain 26; minus strand). Cytogenetic location: 1q42.12.
Variant type: single nucleotide variant.
Coding change: c.517A>T on transcript NM_001379403.1 (MANE Select); coding-DNA position 517, A replaced by T.
Protein change: p.Ser173Cys; replaces serine 173 with cysteine.
Molecular consequence: missense variant.
Genome position (GRCh38, 1-based): chr1:224,433,889, T>A on the plus strand (A>T on the coding strand, the complement: WDR26 is on the minus strand). VCF-style: chr1-224433889-T-A. GRCh37 (hg19) VCF-style: chr1-224621591-T-A.
Other names: c.217A>T, p.Ser73Cys (NM_025160.7, NM_001115113.3); short protein forms S173C, S73C.
Identifiers: ClinVar variation 4076320 (VCV004076320.1).
Genomic context (GRCh38, chr1:224,433,889, plus strand): 5'-CGACGGTGGCTGAGGATGCGGCGGCCGCCCCGCCGGGAACCCCGTTATTGACATTCAGGC[T>A]GTTGCTATTGTTGCTGGCGGCGGAGGGGGCGGAAGGCAGGAGCCCATTGGCGTGGGCCAG-3'
Protein context (NP_001366332.1, residues 163-183): APSAASNNSN[Ser173Cys]LNVNNGVPGG